The following is an entry in ClinVar:

NM_000545.8(HNF1A):c.1504C>G (p.Leu502Val)

Gene: HNF1A (HNF1 homeobox A; plus strand). Cytogenetic location: 12q24.31.
Variant type: single nucleotide variant.
Coding change: c.1504C>G on transcript NM_000545.8 (MANE Select); coding-DNA position 1504, C replaced by G.
Protein change: p.Leu502Val; replaces leucine 502 with valine.
Molecular consequence: missense variant.
Genome position (GRCh38, 1-based): chr12:120,999,270, C>G. VCF-style: chr12-120999270-C-G. GRCh37 (hg19) VCF-style: chr12-121437073-C-G.
Other names: NM_000545.6(HNF1A):c.1504C>G; p.Leu502Val; NM_000545.8(HNF1A):c.1504C>G; c.1504C>G, p.Leu502Val (NM_001306179.2); short protein forms L502V.
Identifiers: ClinVar variation 449404 (VCV000449404.9), dbSNP rs924150546, ClinGen allele CA244536012.

ClinVar aggregate classification (germline): Uncertain significance. Review status: reviewed by expert panel (3 of 4 stars). 4 submissions from 4 submitters: Uncertain significance (1). 3 of the submissions do not count toward it. Last evaluated 2025-09-26.

Conditions:
Monogenic diabetes. Identifiers: Orphanet 183625, MedGen C3888631, MONDO:0015967.
Diabetes mellitus type 1 (T1D). Also called: Type I diabetes mellitus; Diabetes Mellitus, Juvenile-Onset. Identifiers: MedGen C0011854, MONDO:0005147, OMIM 222100, HP:0100651.
Maturity-onset diabetes of the young type 3. Also called: MODY type 3; MODY, type III. Identifiers: Orphanet 552, MedGen C1838100, MeSH C563933, MONDO:0010894, OMIM 600496. Disease mechanism: loss of function.
Hepatic adenomas, familial. Also called: LIVER CELL ADENOMAS, FAMILIAL; HEPATIC ADENOMA, SOMATIC. Identifiers: MedGen C1840646, MONDO:0007718, OMIM 142330.
Type 1 diabetes mellitus 20 (T1D20). Also called: Diabetes mellitus, insulin-dependent, 20. Identifiers: MedGen C2675866, MONDO:0012919, OMIM 612520.
Nonpapillary renal cell carcinoma. Identifiers: Orphanet 422526, MedGen CN074294, MONDO:0007763, OMIM 144700.
Type 2 diabetes mellitus. Also called: Type II diabetes mellitus. Identifiers: MedGen C0011860, MeSH D003924, MONDO:0005148, OMIM 125853, HP:0005978.
Maturity-onset diabetes of the young (MODY). Also called: Maturity onset diabetes mellitus in young. Identifiers: Orphanet 552, MedGen C0342276, MONDO:0018911, HP:0004904.

Allele frequency attached by ClinVar (database versions not stated): gnomAD exomes below 0.00001 and 0.00001; gnomAD 0.00002; TOPMed 0.00002.
gnomAD v4.1: 10 of 1,613,888 alleles (0.00062%); highest among the groups gnomAD compares: African/African-American, 0.013%; no homozygotes.

Submissions (4):

ClinGen Monogenic Diabetes Variant Curation Expert Panel
Classification: Uncertain significance for Monogenic diabetes. Last evaluated: 2025-09-26. Review status: reviewed by expert panel. Criteria: ClinGen Diabetes ACMG Specifications HNF1A V3.0.0. Collection method: curation. Allele origin: germline. Inheritance: Autosomal dominant inheritance.
Comment: The c.1504C>G variant in the HNF1 homeobox A gene, HNF1A, causes an amino acid change of leucine to valine at codon 502 (p.(Leu502Val)) of NM_000545.8. This variant has a Grpmax Filtering allele frequency in gnomAD v4.1.0 of 0.00007227, which is greater than the MDEP threshold for BS1 (0.000033) (BS1). This variant has a REVEL score of 0.557, which is between the ClinGen MDEP thresholds for BP4 and PP3, predicting neither a damaging nor benign impact on HNF1A function. Additionally, the c.1504C>G variant was identified in two unrelated individuals with non-autoimmune and non-absolute/near-absolute insulin-deficient diabetes; however, PS4_Moderate cannot be applied because this number is below the ClinGen MDEP threshold and PP4 cannot be applied due to lack of clinical information (PMID: 23771925, internal lab contributors). In summary, c.1504C>G meets the criteria to be classified as a variant of uncertain significance for monogenic diabetes. ACMG/AMP criteria applied, as specified by the ClinGen MDEP (specification version 3.0.0, approved 6/30/2025): BS1.

Fulgent Genetics
Classification: Uncertain significance for Type 2 diabetes mellitus; Hepatic adenomas, familial; Nonpapillary renal cell carcinoma; Diabetes mellitus type 1; Maturity-onset diabetes of the young type 3; Type 1 diabetes mellitus 20. Last evaluated: 2024-06-10. Review status: criteria provided, single submitter. Criteria: ACMG Guidelines, 2015. Collection method: clinical testing. Allele origin: germline. Not counted in ClinVar's aggregate classification.

GeneDx
Classification: Uncertain significance. Last evaluated: 2019-11-01. Review status: criteria provided, single submitter. Criteria: GeneDx Variant Classification Process June 2021. Collection method: clinical testing. Allele origin: germline. Affected: yes. Not counted in ClinVar's aggregate classification.
Comment: Not observed at a significant frequency in large population cohorts (Lek et al., 2016); In silico analysis, which includes protein predictors and evolutionary conservation, supports that this variant does not alter protein structure/function; This variant is associated with the following publications: (PMID: 23771925)

Clinical Genomics, Uppaluri K&H Personalized Medicine Clinic
Classification: Uncertain significance for Maturity-onset diabetes of the young. Review status: criteria provided, single submitter. Criteria: K & H Uppaluri Personalized Medicine Clinic Variant Classification & Assertion Criteria_Updated V.1. Collection method: research. Allele origin: unknown. Inheritance: Autosomal dominant inheritance. Not counted in ClinVar's aggregate classification.
Comment: Mutations in HNF1A gene can predispose to MODY3. It is associated with both micro and macrovascular complications of diabetes, especially cardiovascular complications. Associated with glucosuria. May respond well to sulfonylureas. However, more evidence is required to confer the association of this particular variant rs924150546 with MODY3.

Literature cited by the submitters: PubMed 23771925 (cited by ClinGen Monogenic Diabetes Variant Curation Expert Panel); PubMed 31517624 (cited by Clinical Genomics, Uppaluri K&H Personalized Medicine Clinic); PubMed 32395877 (cited by Clinical Genomics, Uppaluri K&H Personalized Medicine Clinic); PubMed 35328643 (cited by Clinical Genomics, Uppaluri K&H Personalized Medicine Clinic); PubMed 35673428 (cited by Clinical Genomics, Uppaluri K&H Personalized Medicine Clinic).